The following is an entry in ClinVar:

ClinVar aggregate classification (germline): Likely pathogenic (1 of 4 stars; one submission).

Conditions:
Hereditary cancer-predisposing syndrome. Also called: Neoplastic Syndromes, Hereditary; Tumor predisposition; Hereditary neoplastic syndrome; Hereditary Cancer Syndrome. Identifiers: Orphanet 140162, MedGen C0027672, MeSH D009386, MONDO:0015356.

Submission:

Ambry Genetics
Classification: Likely pathogenic for Hereditary cancer-predisposing syndrome. Last evaluated: 2019-05-21. Review status: criteria provided, single submitter. Criteria: Ambry Variant Classification Scheme 2023. Collection method: clinical testing. Allele origin: germline.
Comment: The p.D237E variant (also known as c.711C>A), located in coding exon 5 of the STK11 gene, results from a C to A substitution at nucleotide position 711. The aspartic acid at codon 237 is replaced by glutamic acid, an amino acid with highly similar properties. Another alteration at this amino acid position, p.D237H, was reported in a patient with Peutz-Jeghers Syndrome and based on internal structural assessment, this alteration results in structural disruption in a sensitive region of the STK11 protein (Ambry internal data). This amino acid position is highly conserved in available vertebrate species. In addition, this alteration is predicted to be deleterious by in silico analysis. Based on the majority of available evidence to date, this variant is likely to be pathogenic..

NM_000455.5(STK11):c.711C>A (p.Asp237Glu)

Gene: STK11 (serine/threonine kinase 11; plus strand). Cytogenetic location: 19p13.3.
Variant type: single nucleotide variant.
Coding change: c.711C>A on transcript NM_000455.5 (MANE Select); coding-DNA position 711, C replaced by A.
Protein change: p.Asp237Glu; replaces aspartic acid 237 with glutamic acid.
Molecular consequence: missense variant.
Genome position (GRCh38, 1-based): chr19:1,220,694, C>A. VCF-style: chr19-1220694-C-A. GRCh37 (hg19) VCF-style: chr19-1220693-C-A.
Other names: short protein forms D237E.
Identifiers: ClinVar variation 826850 (VCV000826850.4), dbSNP rs1057520379, ClinGen allele CA402949910.